The following is an entry in ClinVar:

ClinVar aggregate classification (germline): Uncertain significance. Review status: criteria provided, multiple submitters, no conflicts (2 of 4 stars). 5 submissions from 5 submitters: Uncertain significance (5). Last evaluated 2025-06-11.

Conditions:
FIG4-related disorder. Also called: FIG4-related disorders; FIG4-related condition.
Inborn genetic diseases. Identifiers: MedGen C0950123, MeSH D030342.
Charcot-Marie-Tooth disease type 4. Also called: Charcot-Marie-Tooth disease, type IV; Charcot-Marie-Tooth, Type 4. Identifiers: Orphanet 64749, MedGen C4082197, MONDO:0018995.

Allele frequency attached by ClinVar (database versions not stated): gnomAD 0.00004 and 0.00007; TOPMed 0.00005; gnomAD exomes 0.00006; ExAC 0.00007; 1000 Genomes Project 0.00020; ESP Exome Variant Server 0.00023; 1000 Genomes Project 30x 0.00031.
gnomAD v4.1: 135 of 1,613,924 alleles (0.0084%); highest among the groups gnomAD compares: South Asian, 0.015%; no homozygotes.

Submissions (5):

GeneDx
Classification: Uncertain significance. Last evaluated: 2025-06-11. Review status: criteria provided, single submitter. Criteria: GeneDx Variant Classification Process June 2021. Collection method: clinical testing. Allele origin: germline. Affected: yes.
Comment: Reported previously in two individuals with unspecified CMT who were heterozygous for the variant and did not have a second pathogenic variant on the opposite allele. M694V was subsequently reported as a variant of uncertain significance in a patient with sporadic amyotrophic lateral sclerosis (ALS) who had variants in other genes possibly associated with the phenotype (PMID: 25382069, 21705420); Not observed at significant frequency in large population cohorts (gnomAD); In silico analysis supports that this missense variant has a deleterious effect on protein structure/function; This variant is associated with the following publications: (PMID: 21705420, 25869998, 29605155, 25382069)

Women's Health and Genetics/Laboratory Corporation of America, LabCorp
Classification: Uncertain significance. Last evaluated: 2024-01-18. Review status: criteria provided, single submitter. Criteria: LabCorp Variant Classification Summary - May 2015. Collection method: clinical testing. Allele origin: germline.
Comment: Variant summary: FIG4 c.2080A>G (p.Met694Val) results in a conservative amino acid change in the encoded protein sequence. Four of five in-silico tools predict a benign effect of the variant on protein function. The variant allele was found at a frequency of 5.6e-05 in 251390 control chromosomes (gnomAD). c.2080A>G has been reported in the literature in at-least one individual affected with Amyotrophic lateral sclerosis (example: Cady_2015). This report does not provide unequivocal conclusions about association of the variant with Charcot-Marie Disease Type 4J. To our knowledge, no experimental evidence demonstrating an impact on protein function has been reported. The following publication has been ascertained in the context of this evaluation (PMID: 25382069). ClinVar contains an entry for this variant (Variation ID: 246456). Based on the evidence outlined above, the variant was classified as uncertain significance.

PreventionGenetics, part of Exact Sciences
Classification: Uncertain significance for FIG4-related condition. Last evaluated: 2023-07-11. Review status: criteria provided, single submitter. Criteria: ACMG Guidelines, 2015. Collection method: clinical testing. Allele origin: germline.
Comment: The FIG4 c.2080A>G variant is predicted to result in the amino acid substitution p.Met694Val. This variant was reported in an individual with amyotrophic lateral sclerosis along with additional variants in SETX and DCTN1, suggesting a possible oligogenic mode of inertance (Cady et al. 2015. PubMed ID: 25382069). This variant is reported in 0.0098% of alleles in individuals of South Asian descent in gnomAD and has been interpreted in ClinVar as uncertain.. At this time, the clinical significance of this variant is uncertain due to the absence of conclusive functional and genetic evidence.

Ambry Genetics
Classification: Uncertain significance for Inborn genetic diseases. Last evaluated: 2022-09-12. Review status: criteria provided, single submitter. Criteria: Ambry Variant Classification Scheme 2023. Collection method: clinical testing. Allele origin: germline.
Comment: The p.M694V variant (also known as c.2080A>G), located in coding exon 18 of the FIG4 gene, results from an A to G substitution at nucleotide position 2080. The methionine at codon 694 is replaced by valine, an amino acid with highly similar properties. This amino acid position is highly conserved in available vertebrate species. In addition, this alteration is predicted to be deleterious by in silico analysis. Since supporting evidence is limited at this time, the clinical significance of this alteration remains unclear.

Labcorp Genetics (formerly Invitae), Labcorp
Classification: Uncertain significance for Charcot-Marie-Tooth disease type 4. Last evaluated: 2022-03-15. Review status: criteria provided, single submitter. Criteria: Invitae Variant Classification Sherloc (09022015). Collection method: clinical testing. Allele origin: germline.
Comment: This sequence change replaces methionine, which is neutral and non-polar, with valine, which is neutral and non-polar, at codon 694 of the FIG4 protein (p.Met694Val). This variant is present in population databases (rs143531641, gnomAD 0.01%). This missense change has been observed in individual(s) with amyotropic lateral sclerosis (ALS) (PMID: 25382069). ClinVar contains an entry for this variant (Variation ID: 246456). Algorithms developed to predict the effect of missense changes on protein structure and function (SIFT, PolyPhen-2, Align-GVGD) all suggest that this variant is likely to be tolerated. In summary, the available evidence is currently insufficient to determine the role of this variant in disease. Therefore, it has been classified as a Variant of Uncertain Significance.

Literature cited by the submitters: PubMed 25382069 (cited by Women's Health and Genetics/Laboratory Corporation of America, LabCorp and Labcorp Genetics (formerly Invitae), Labcorp).

NM_014845.6(FIG4):c.2080A>G (p.Met694Val)

Gene: FIG4 (FIG4 phosphoinositide 5-phosphatase; plus strand). Cytogenetic location: 6q21.
Variant type: single nucleotide variant.
Coding change: c.2080A>G on transcript NM_014845.6 (MANE Select); coding-DNA position 2080, A replaced by G.
Protein change: p.Met694Val; replaces methionine 694 with valine.
Molecular consequence: missense variant.
Genome position (GRCh38, 1-based): chr6:109,786,433, A>G. VCF-style: chr6-109786433-A-G. GRCh37 (hg19) VCF-style: chr6-110107636-A-G.
Other names: short protein forms M694V.
Identifiers: ClinVar variation 246456 (VCV000246456.13), dbSNP rs143531641, ClinGen allele CA3956269.